The following is an entry in ClinVar:

NM_005732.4(RAD50):c.1871G>C (p.Ser624Thr)

Gene: RAD50 (RAD50 double strand break repair protein; plus strand). Cytogenetic location: 5q31.1.
Variant type: single nucleotide variant.
Coding change: c.1871G>C on transcript NM_005732.4 (MANE Select); coding-DNA position 1871, G replaced by C.
Protein change: p.Ser624Thr; replaces serine 624 with threonine.
Molecular consequence: missense variant.
Genome position (GRCh38, 1-based): chr5:132,594,946, G>C. VCF-style: chr5-132594946-G-C. GRCh37 (hg19) VCF-style: chr5-131930638-G-C.
Other names: short protein forms S624T.
Identifiers: ClinVar variation 2832094 (VCV002832094.3), dbSNP rs1750763046, ClinGen allele CA360947874.

ClinVar aggregate classification (germline): Uncertain significance (1 of 4 stars; one submission).

Conditions:
Hereditary cancer-predisposing syndrome. Also called: Neoplastic Syndromes, Hereditary; Tumor predisposition; Hereditary Cancer Syndrome; Hereditary neoplastic syndrome. Identifiers: Orphanet 140162, MedGen C0027672, MeSH D009386, MONDO:0015356.

Submission:

Labcorp Genetics (formerly Invitae), Labcorp
Classification: Uncertain significance for Hereditary cancer-predisposing syndrome. Last evaluated: 2023-01-30. Review status: criteria provided, single submitter. Criteria: Invitae Variant Classification Sherloc (09022015). Collection method: clinical testing. Allele origin: germline.
Comment: In summary, the available evidence is currently insufficient to determine the role of this variant in disease. Therefore, it has been classified as a Variant of Uncertain Significance. Advanced modeling of protein sequence and biophysical properties (such as structural, functional, and spatial information, amino acid conservation, physicochemical variation, residue mobility, and thermodynamic stability) performed at Invitae indicates that this missense variant is not expected to disrupt RAD50 protein function. This variant has not been reported in the literature in individuals affected with RAD50-related conditions. This variant is not present in population databases (gnomAD no frequency). This sequence change replaces serine, which is neutral and polar, with threonine, which is neutral and polar, at codon 624 of the RAD50 protein (p.Ser624Thr).